The following is an entry in ClinVar:

NM_014423.4(AFF4):c.404G>A (p.Arg135Gln)

Gene: AFF4 (ALF transcription elongation factor 4; minus strand). Cytogenetic location: 5q31.1.
Variant type: single nucleotide variant.
Coding change: c.404G>A on transcript NM_014423.4 (MANE Select); coding-DNA position 404, G replaced by A.
Protein change: p.Arg135Gln; replaces arginine 135 with glutamine.
Molecular consequence: missense variant.
Genome position (GRCh38, 1-based): chr5:132,934,661, C>T on the plus strand (G>A on the coding strand, the complement: AFF4 is on the minus strand). VCF-style: chr5-132934661-C-T. GRCh37 (hg19) VCF-style: chr5-132270353-C-T.
Other names: c.404G>A (NM_014423.3); short protein forms R135Q.
Identifiers: ClinVar variation 2862536 (VCV002862536.5), dbSNP rs768604889, ClinGen allele CA3409445.

ClinVar aggregate classification (germline): Uncertain significance. Review status: criteria provided, single submitter (1 of 4 stars). 2 submissions from 2 submitters: Uncertain significance (1). 1 of the submissions does not count toward it. Last evaluated 2024-01-26.

Conditions:
Cognitive impairment - coarse facies - heart defects - obesity - pulmonary involvement - short stature - skeletal dysplasia syndrome. Also called: COGNITIVE IMPAIRMENT, COARSE FACIES, HEART DEFECTS, OBESITY, PULMONARY INVOLVEMENT, SHORT STATURE, AND SKELETAL DYSPLASIA; Chops syndrome; AFF4-Related CHOPS Syndrome. Identifiers: Orphanet 444077, MedGen C4085597, MONDO:0014609, OMIM 616368.
AFF4-related disorder. Also called: AFF4-related condition.

Allele frequency attached by ClinVar (database versions not stated): TOPMed below 0.00001; gnomAD 0.00001; gnomAD exomes 0.00001; ExAC 0.00002.
gnomAD v4.1: 19 of 1,613,986 alleles (0.0012%); highest among the groups gnomAD compares: Admixed American, 0.0067%; no homozygotes.

Submissions (2):

Labcorp Genetics (formerly Invitae), Labcorp
Classification: Uncertain significance for Cognitive impairment - coarse facies - heart defects - obesity - pulmonary involvement - short stature - skeletal dysplasia syndrome. Last evaluated: 2024-01-26. Review status: criteria provided, single submitter. Criteria: Invitae Variant Classification Sherloc (09022015). Collection method: clinical testing. Allele origin: germline.
Comment: This sequence change replaces arginine, which is basic and polar, with glutamine, which is neutral and polar, at codon 135 of the AFF4 protein (p.Arg135Gln). This variant is present in population databases (rs768604889, gnomAD 0.006%). This variant has not been reported in the literature in individuals affected with AFF4-related conditions. Advanced modeling of protein sequence and biophysical properties (such as structural, functional, and spatial information, amino acid conservation, physicochemical variation, residue mobility, and thermodynamic stability) performed at Invitae indicates that this missense variant is not expected to disrupt AFF4 protein function with a negative predictive value of 80%. In summary, the available evidence is currently insufficient to determine the role of this variant in disease. Therefore, it has been classified as a Variant of Uncertain Significance.

PreventionGenetics, part of Exact Sciences
Classification: Uncertain significance for AFF4-related condition. Last evaluated: 2024-02-08. Review status: no assertion criteria provided. Collection method: clinical testing. Allele origin: germline. Not counted in ClinVar's aggregate classification.
Comment: The AFF4 c.404G>A variant is predicted to result in the amino acid substitution p.Arg135Gln. To our knowledge, this variant has not been reported in the literature. This variant is reported in 0.0058% of alleles in individuals of Latino descent in gnomAD. At this time, the clinical significance of this variant is uncertain due to the absence of conclusive functional and genetic evidence.